The following is an entry in ClinVar:

ClinVar aggregate classification (germline): Uncertain significance. Review status: criteria provided, multiple submitters, no conflicts (2 of 4 stars). 2 submissions from 2 submitters: Uncertain significance (2). Last evaluated 2025-12-29.

Submissions (2):

Women's Health and Genetics/Laboratory Corporation of America, LabCorp
Classification: Uncertain significance. Last evaluated: 2025-12-29. Review status: criteria provided, single submitter. Criteria: LabCorp Variant Classification Summary - May 2015. Collection method: clinical testing. Allele origin: germline.
Comment: Variant summary: HTRA1 c.86G>A (p.Arg29His) results in a non-conservative amino acid change in the encoded protein sequence. Algorithms developed to predict the effect of missense changes on protein structure and function are either unavailable or do not agree on the potential impact of this missense change. The frequency data for this variant in gnomAD is considered unreliable, as metrics indicate poor data quality at this position. To our knowledge, no occurrence of c.86G>A in individuals affected with HTRA1-related conditions and no experimental evidence demonstrating its impact on protein function have been reported. ClinVar contains an entry for this variant (Variation ID: 3611145). Based on the evidence outlined above, the variant was classified as uncertain significance.

Labcorp Genetics (formerly Invitae), Labcorp
Classification: Uncertain significance. Last evaluated: 2024-10-24. Review status: criteria provided, single submitter. Criteria: Invitae Variant Classification Sherloc (09022015). Collection method: clinical testing. Allele origin: germline.
Comment: This sequence change replaces arginine, which is basic and polar, with histidine, which is basic and polar, at codon 29 of the HTRA1 protein (p.Arg29His). This variant is not present in population databases (gnomAD no frequency). This variant has not been reported in the literature in individuals affected with HTRA1-related conditions. Invitae Evidence Modeling of protein sequence and biophysical properties (such as structural, functional, and spatial information, amino acid conservation, physicochemical variation, residue mobility, and thermodynamic stability) indicates that this missense variant is not expected to disrupt HTRA1 protein function with a negative predictive value of 95%. In summary, the available evidence is currently insufficient to determine the role of this variant in disease. Therefore, it has been classified as a Variant of Uncertain Significance.

NM_002775.5(HTRA1):c.86G>A (p.Arg29His)

Gene: HTRA1 (HtrA serine peptidase 1; plus strand). Cytogenetic location: 10q26.13.
Variant type: single nucleotide variant.
Coding change: c.86G>A on transcript NM_002775.5 (MANE Select); coding-DNA position 86, G replaced by A.
Protein change: p.Arg29His; replaces arginine 29 with histidine.
Molecular consequence: missense variant.
Genome position (GRCh38, 1-based): chr10:122,461,738, G>A. VCF-style: chr10-122461738-G-A. GRCh37 (hg19) VCF-style: chr10-124221254-G-A.
Other names: short protein forms R29H.
Identifiers: ClinVar variation 3611145 (VCV003611145.3).